The following is an entry in ClinVar:

NM_001042492.3(NF1):c.1128G>T (p.Met376Ile)

Gene: NF1 (neurofibromin 1; plus strand). Cytogenetic location: 17q11.2.
Variant type: single nucleotide variant.
Coding change: c.1128G>T on transcript NM_001042492.3 (MANE Select); coding-DNA position 1128, G replaced by T.
Protein change: p.Met376Ile; replaces methionine 376 with isoleucine.
Molecular consequence: missense variant.
Genome position (GRCh38, 1-based): chr17:31,201,102, G>T. VCF-style: chr17-31201102-G-T. GRCh37 (hg19) VCF-style: chr17-29528120-G-T.
Other names: c.1128G>T, p.Met376Ile (NM_000267.4, NM_001128147.3); short protein forms M376I.
Identifiers: ClinVar variation 1727484 (VCV001727484.2), dbSNP rs2143879572, ClinGen allele CA398997003.
Genomic context (GRCh38, chr17:31,201,102, plus strand): 5'-GCTTTTTAATCCAAGTAAGCCATTCTCAAGAGGCAGTCAGCCTGCAGATGTGGATCTAAT[G>T]ATTGACTGCCTTGTTTCTTGCTTTCGTATAAGCCCTCACAACAACCAACACTTTAAGGTG-3'
Protein context (NP_001035957.1, residues 366-386): RGSQPADVDL[Met376Ile]IDCLVSCFRI

ClinVar aggregate classification (germline): Uncertain significance (1 of 4 stars; one submission).

Conditions:
Cardiovascular phenotype. Identifiers: MedGen CN230736.
Hereditary cancer-predisposing syndrome. Also called: Tumor predisposition; Neoplastic Syndromes, Hereditary; Hereditary Cancer Syndrome; Hereditary neoplastic syndrome. Identifiers: Orphanet 140162, MedGen C0027672, MeSH D009386, MONDO:0015356.

Submission:

Ambry Genetics
Classification: Uncertain significance for Cardiovascular phenotype; Hereditary cancer-predisposing syndrome. Last evaluated: 2021-11-12. Review status: criteria provided, single submitter. Criteria: Ambry Variant Classification Scheme 2023. Collection method: clinical testing. Allele origin: germline.
Comment: The p.M376I variant (also known as c.1128G>T), located in coding exon 10 of the NF1 gene, results from a G to T substitution at nucleotide position 1128. The methionine at codon 376 is replaced by isoleucine, an amino acid with highly similar properties. This amino acid position is highly conserved in available vertebrate species. In addition, this alteration is predicted to be deleterious by in silico analysis. Since supporting evidence is limited at this time, the clinical significance of this alteration remains unclear.